The following is an entry in ClinVar:

ClinVar aggregate classification (germline): Uncertain significance. Review status: criteria provided, multiple submitters, no conflicts (2 of 4 stars). 2 submissions from 2 submitters: Uncertain significance (2). Last evaluated 2023-11-02.

Conditions:
Breast-ovarian cancer, familial, susceptibility to, 1 (BROVCA1). Also called: OVARIAN CANCER, SUSCEPTIBILITY TO; BRCA1 Hereditary Breast and Ovarian Cancer. Identifiers: Orphanet 145, MedGen C2676676, MONDO:0011450, OMIM 604370. Disease mechanism: loss of function.
Hereditary cancer-predisposing syndrome. Also called: Hereditary neoplastic syndrome; Tumor predisposition; Hereditary Cancer Syndrome; Neoplastic Syndromes, Hereditary. Identifiers: Orphanet 140162, MedGen C0027672, MeSH D009386, MONDO:0015356.

Submissions (2):

All of Us Research Program, National Institutes of Health
Classification: Uncertain significance for Breast-ovarian cancer, familial, susceptibility to, 1. Last evaluated: 2023-11-02. Review status: criteria provided, single submitter. Criteria: ACMG Guidelines, 2015. Collection method: clinical testing. Allele origin: germline. Inheritance: Autosomal dominant inheritance. Observed: 1 variant allele, 1 heterozygote.
Comment: This variant causes a C>A nucleotide substitution at the -9 position of intron 12 in the BRCA1 gene. To our knowledge, functional studies have not been reported for this variant. This variant has not been reported in individuals affected with BRCA1-related disorders in the literature. This variant has not been identified in the general population by the Genome Aggregation Database (gnomAD). The available evidence is insufficient to determine the role of this variant in disease conclusively. Therefore, this variant is classified as a Variant of Uncertain Significance.

This study involves interpretation of variants in research participants for the purpose of population health screening. Participant phenotype was not available at the time of variant classification. Additional details can be found in publication PMID: 35346344, PMCID: PMC8962531

Color Diagnostics, LLC DBA Color Health
Classification: Uncertain significance for Hereditary cancer-predisposing syndrome. Last evaluated: 2023-10-10. Review status: criteria provided, single submitter. Criteria: ACMG Guidelines, 2015. Collection method: clinical testing. Allele origin: germline.
Comment: This variant causes a C>A nucleotide substitution at the -9 position of intron 12 in the BRCA1 gene. To our knowledge, functional studies have not been reported for this variant. This variant has not been reported in individuals affected with BRCA1-related disorders in the literature. This variant has not been identified in the general population by the Genome Aggregation Database (gnomAD). The available evidence is insufficient to determine the role of this variant in disease conclusively. Therefore, this variant is classified as a Variant of Uncertain Significance.

NM_007294.4(BRCA1):c.4358-9C>A

Gene: BRCA1 (BRCA1 DNA repair associated; minus strand). Cytogenetic location: 17q21.31.
Variant type: single nucleotide variant.
Coding change: c.4358-9C>A on transcript NM_007294.4 (MANE Select); 9 bases into the intron before coding-DNA position 4358, C replaced by A.
Molecular consequence: intron variant.
Genome position (GRCh38, 1-based): chr17:43,076,623, G>T on the plus strand (C>A on the coding strand, the complement: BRCA1 is on the minus strand). VCF-style: chr17-43076623-G-T. GRCh37 (hg19) VCF-style: chr17-41228640-G-T.
Other names: c.908-12C>A (NM_001408458.1, NM_001408461.1, NM_001408459.1 and 1 more transcripts); c.3470-12C>A (NM_001407967.1); c.3977-9C>A (NM_001407959.1); c.4091-9C>A (NM_001407931.1, NM_001407932.1, NM_001407930.1 and 1 more transcripts); c.4214-9C>A (NM_001407747.1, NM_001407745.1, NM_001407746.1 and 11 more transcripts); c.3974-9C>A (NM_001407962.1); c.545-9C>A (NM_001408512.1); c.668-9C>A (NM_001408510.1); and 98 more.
Identifiers: ClinVar variation 628184 (VCV000628184.7), dbSNP rs1057521549, ClinGen allele CA913188859.